The following is an entry in ClinVar:

NM_004336.5(BUB1):c.2971G>T (p.Val991Phe)

Gene: BUB1 (BUB1 mitotic checkpoint serine/threonine kinase; minus strand). Cytogenetic location: 2q13.
Variant type: single nucleotide variant.
Coding change: c.2971G>T on transcript NM_004336.5 (MANE Select); coding-DNA position 2971, G replaced by T.
Protein change: p.Val991Phe; replaces valine 991 with phenylalanine.
Molecular consequence: missense variant.
Genome position (GRCh38, 1-based): chr2:110,639,833, C>A on the plus strand (G>T on the coding strand, the complement: BUB1 is on the minus strand). VCF-style: chr2-110639833-C-A. GRCh37 (hg19) VCF-style: chr2-111397410-C-A.
Other names: c.2911G>T, p.Val971Phe (NM_001278616.2); c.2800G>T, p.Val934Phe (NM_001278617.2); short protein forms V971F, V991F, V934F.
Identifiers: ClinVar variation 4730392 (VCV004730392.1).

ClinVar aggregate classification (germline): Uncertain significance (1 of 4 stars; one submission).

Submission:

Labcorp Genetics (formerly Invitae), Labcorp
Classification: Uncertain significance. Last evaluated: 2025-11-03. Review status: criteria provided, single submitter. Criteria: Invitae Variant Classification Sherloc (09022015). Collection method: clinical testing. Allele origin: germline.
Comment: This sequence change replaces valine, which is neutral and non-polar, with phenylalanine, which is neutral and non-polar, at codon 991 of the BUB1 protein (p.Val991Phe). This variant is not present in population databases (gnomAD no frequency). This variant has not been reported in the literature in individuals affected with BUB1-related conditions. Experimental studies and prediction algorithms are not available or were not evaluated, and the functional significance of this variant is currently unknown. In summary, the available evidence is currently insufficient to determine the role of this variant in disease. Therefore, it has been classified as a Variant of Uncertain Significance.